The following is an entry in ClinVar:

NM_025136.4(OPA3):c.145T>C (p.Tyr49His)

Genes: OPA3 (outer mitochondrial membrane lipid metabolism regulator OPA3; minus strand), OPA3-RTN2 (OPA3-RTN2 readthrough; minus strand). Cytogenetic location: 19q13.32.
Variant type: single nucleotide variant.
Coding change: c.145T>C on transcript NM_025136.4 (MANE Select); coding-DNA position 145, T replaced by C.
Protein change: p.Tyr49His; replaces tyrosine 49 with histidine.
Molecular consequence: missense variant. On other transcripts: intron variant (1).
Genome position (GRCh38, 1-based): chr19:45,553,909, A>G on the plus strand (T>C on the coding strand, the complement: OPA3 is on the minus strand). VCF-style: chr19-45553909-A-G. GRCh37 (hg19) VCF-style: chr19-46057167-A-G.
Other names: c.143-24453T>C (NM_001017989.3); short protein forms Y49H.
Identifiers: ClinVar variation 1485563 (VCV001485563.6), dbSNP rs1384629048, ClinGen allele CA406371449.

ClinVar aggregate classification (germline): Uncertain significance (1 of 4 stars; one submission).

Conditions:
Optic atrophy 3 (OPA3). Also called: OPTIC ATROPHY 3, AUTOSOMAL DOMINANT; Optic atrophy, cataract, and neurologic disorder; Optic atrophy 3 with cataract. Identifiers: Orphanet 67036, MedGen C1833809, MONDO:0008133, OMIM 165300.
3-Methylglutaconic aciduria type 3 (MGCA3). Also called: OPA3, AUTOSOMAL RECESSIVE; OPTIC ATROPHY 3, AUTOSOMAL RECESSIVE; Costeff Syndrome; OPA3-Related 3-Methylglutaconic Aciduria. Identifiers: Orphanet 67047, MedGen C0574084, MONDO:0009787, OMIM 258501.

Allele frequency attached by ClinVar (database versions not stated): gnomAD exomes below 0.00001.
gnomAD v4.1: 6 of 1,605,404 alleles (0.00037%); highest among the groups gnomAD compares: Non-Finnish European, 0.00034%; no homozygotes.

Submission:

Labcorp Genetics (formerly Invitae), Labcorp
Classification: Uncertain significance for 3-Methylglutaconic aciduria type 3; Optic atrophy 3. Last evaluated: 2023-10-25. Review status: criteria provided, single submitter. Criteria: Invitae Variant Classification Sherloc (09022015). Collection method: clinical testing. Allele origin: germline.
Comment: This sequence change replaces tyrosine, which is neutral and polar, with histidine, which is basic and polar, at codon 49 of the OPA3 protein (p.Tyr49His). The frequency data for this variant in the population databases is considered unreliable, as metrics indicate poor data quality at this position in the gnomAD database. This variant has not been reported in the literature in individuals affected with OPA3-related conditions. ClinVar contains an entry for this variant (Variation ID: 1485563). An algorithm developed to predict the effect of missense changes on protein structure and function (PolyPhen-2) suggests that this variant is likely to be disruptive. In summary, the available evidence is currently insufficient to determine the role of this variant in disease. Therefore, it has been classified as a Variant of Uncertain Significance.